The following is an entry in ClinVar:

ClinVar aggregate classification (germline): Pathogenic (1 of 4 stars; one submission).

Conditions:
Creatine transporter deficiency (CCDS1). Also called: Creatine Transporter (CRTR) Deficiency; Mental retardation , X-linked with seizures, short stature and midface hypoplasia; Mental retardation , X-linked, with creatine transport deficiency; X-linked creatine transporter deficiency; X-linked creatine deficiency syndrome; SLC6A8-Related Creatine Transporter Deficiency. Identifiers: Orphanet 52503, MedGen C1845862, MONDO:0010305, OMIM 300352.

Submission:

Labcorp Genetics (formerly Invitae), Labcorp
Classification: Pathogenic for Creatine transporter deficiency. Last evaluated: 2022-02-04. Review status: criteria provided, single submitter. Criteria: Invitae Variant Classification Sherloc (09022015). Collection method: clinical testing. Allele origin: germline.
Comment: For these reasons, this variant has been classified as Pathogenic. This variant has not been reported in the literature in individuals affected with SLC6A8-related conditions. This variant is a gross deletion of the genomic region encompassing exon(s) 1 of the SLC6A8 gene, which includes the initiator codon. This deletion extends beyond the assayed region for this gene and therefore may encompass additional genes. It is expected to result in an absent or disrupted protein product. Loss-of-function variants in SLC6A8 are known to be pathogenic (PMID: 22281021).

Literature cited by the submitters: PubMed 22281021.

NC_000023.11:g.(?_153688555)_(153688856_?)del

Gene: SLC6A8 (solute carrier family 6 member 8; plus strand). Cytogenetic location: Xq28.
Variant type: Deletion.
Identifiers: ClinVar variation 830977 (VCV000830977.6).